The following is an entry in ClinVar:

ClinVar aggregate classification (germline): Likely pathogenic (1 of 4 stars; one submission).

Conditions:
Chromosome 2q32-q33 deletion syndrome (GLASS). Also called: Glass syndrome; 2q33.1 deletion syndrome. Identifiers: Orphanet 251019, MedGen C2676739, MONDO:0012864, OMIM 612313.

Submission:

Institute of Human Genetics, University of Goettingen
Classification: Likely pathogenic for Chromosome 2q32-q33 deletion syndrome. Last evaluated: 2024-03-27. Review status: criteria provided, single submitter. Criteria: ACMG Guidelines, 2015. Collection method: clinical testing. Allele origin: unknown. Inheritance: Autosomal dominant inheritance. Affected: yes. Observed: 1 heterozygote.
Comment: Following reasons led to the classification: 1) the variant is not listed in HGMD, ClinVar, LOVD3 and not described in literature 2) the variant leads to truncated protein 3) comparison with ExAC and gnomAD did not provide evidence that this variant can be detected in non-affected people 4) the mutation type is known to be pathogenic in the disease of question (Glass syndrome)

NM_001172509.2(SATB2):c.1743dup (p.Leu582fs)

Genes: SATB2 (SATB homeobox 2; minus strand), LOC126806462 (MED14-independent group 3 enhancer GRCh37_chr2:200136608-200137807; plus strand). Cytogenetic location: 2q33.1.
Variant type: Duplication.
Coding change: c.1743dup on transcript NM_001172509.2 (MANE Select); coding-DNA position 1743, one base duplicated (A; older notation c.1743dupA).
Protein change: p.Leu582fs; shifts the reading frame from leucine 582.
Molecular consequence: frameshift variant.
Genome position (GRCh38, 1-based): chr2:199,272,670, T duplicated on the plus strand (A on the coding strand, the reverse complement: SATB2 is on the minus strand). VCF-style (leftmost placement, unchanged base first): chr2-199272669-G-GT. GRCh37 (hg19) VCF-style: chr2-200137392-G-GT.
Other names: c.1743dup, p.Leu582fs (NM_001172517.1, NM_015265.4); short protein forms L582fs.
Identifiers: ClinVar variation 3236861 (VCV003236861.2), dbSNP rs2468783969.